The following is an entry in ClinVar:

NM_001205293.3(CACNA1E):c.6559G>C (p.Asp2187His)

Gene: CACNA1E (calcium voltage-gated channel subunit alpha1 E; plus strand). Cytogenetic location: 1q25.3.
Variant type: single nucleotide variant.
Coding change: c.6559G>C on transcript NM_001205293.3 (MANE Select); coding-DNA position 6559, G replaced by C.
Protein change: p.Asp2187His; replaces aspartic acid 2187 with histidine.
Molecular consequence: missense variant.
Genome position (GRCh38, 1-based): chr1:181,798,451, G>C. VCF-style: chr1-181798451-G-C. GRCh37 (hg19) VCF-style: chr1-181767587-G-C.
Other names: c.6430G>C, p.Asp2144His (NM_000721.4); c.6373G>C, p.Asp2125His (NM_001205294.2); short protein forms D2125H, D2144H, D2187H.
Identifiers: ClinVar variation 2428915 (VCV002428915.3), dbSNP rs1016623006, ClinGen allele CA343845035.

ClinVar aggregate classification (germline): Uncertain significance (1 of 4 stars; one submission).

Allele frequency attached by ClinVar (database versions not stated): gnomAD exomes below 0.00001; gnomAD 0.00001.
gnomAD v4.1: 6 of 1,613,752 alleles (0.00037%); highest among the groups gnomAD compares: African/African-American, 0.0013%; no homozygotes.

Submission:

GeneDx
Classification: Uncertain significance. Last evaluated: 2022-08-03. Review status: criteria provided, single submitter. Criteria: GeneDx Variant Classification Process June 2021. Collection method: clinical testing. Allele origin: germline. Affected: yes.
Comment: In silico analysis supports that this missense variant does not alter protein structure/function; Has not been previously published as pathogenic or benign to our knowledge